The following is an entry in ClinVar:

ClinVar aggregate classification (germline): Conflicting classifications of pathogenicity. Review status: criteria provided, conflicting classifications (1 of 4 stars). 2 submissions from 2 submitters: Uncertain significance (1); Likely benign (1). Last evaluated 2026-01-19.

Conditions:
Congenital myasthenic syndrome 12 (CMS12). Also called: MYASTHENIC SYNDROME, CONGENITAL, WITH TUBULAR AGGREGATES 1; Myasthenia, congenital, 12, with tubular aggregates. Identifiers: Orphanet 353327, Orphanet 590, MedGen C3552335, MONDO:0012518, OMIM 610542.

Allele frequency attached by ClinVar (database versions not stated): gnomAD exomes below 0.00001 and 0.00002; ExAC 0.00004; TOPMed 0.00004; gnomAD 0.00005 and 0.00006.
gnomAD v4.1: 37 of 1,605,952 alleles (0.0023%); highest among the groups gnomAD compares: East Asian, 0.029%; no homozygotes.

Submissions (2):

Labcorp Genetics (formerly Invitae), Labcorp
Classification: Likely benign for Congenital myasthenic syndrome 12. Last evaluated: 2026-01-19. Review status: criteria provided, single submitter. Criteria: Invitae Variant Classification Sherloc (09022015). Collection method: clinical testing. Allele origin: germline.

GeneDx
Classification: Uncertain significance. Last evaluated: 2025-08-01. Review status: criteria provided, single submitter. Criteria: GeneDx Variant Classification Process June 2021. Collection method: clinical testing. Allele origin: germline. Affected: yes.
Comment: In silico analysis suggests that this variant does not alter splicing; Has not been previously published as pathogenic or benign to our knowledge

NM_001244710.2(GFPT1):c.1035G>A (p.Lys345=)

Gene: GFPT1 (glutamine--fructose-6-phosphate transaminase 1; minus strand). Cytogenetic location: 2p13.3.
Variant type: single nucleotide variant.
Coding change: c.1035G>A on transcript NM_001244710.2 (MANE Select); coding-DNA position 1035, G replaced by A.
Protein change: p.Lys345=; no amino-acid change (lysine 345 retained).
Molecular consequence: synonymous variant.
Genome position (GRCh38, 1-based): chr2:69,345,974, C>T on the plus strand (G>A on the coding strand, the complement: GFPT1 is on the minus strand). VCF-style: chr2-69345974-C-T. GRCh37 (hg19) VCF-style: chr2-69573106-C-T.
Other names: c.981G>A, p.Lys327= (NM_002056.4).
Identifiers: ClinVar variation 473139 (VCV000473139.12), dbSNP rs373488949, ClinGen allele CA1693718.